The following is an entry in ClinVar:

NM_001386298.1(CIC):c.4334C>T (p.Ala1445Val)

Gene: CIC (capicua transcriptional repressor; plus strand). Cytogenetic location: 19q13.2.
Variant type: single nucleotide variant.
Coding change: c.4334C>T on transcript NM_001386298.1 (MANE Select); coding-DNA position 4334, C replaced by T.
Protein change: p.Ala1445Val; replaces alanine 1445 with valine.
Molecular consequence: missense variant.
Genome position (GRCh38, 1-based): chr19:42,290,375, C>T. VCF-style: chr19-42290375-C-T. GRCh37 (hg19) VCF-style: chr19-42794527-C-T.
Other names: c.4334C>T, p.Ala1445Val (NM_001304815.2, NM_001379480.1, NM_001379482.1 and 1 more transcripts); c.1607C>T, p.Ala536Val (NM_001379484.1, NM_001379485.1, NM_015125.5); short protein forms A536V, A1445V.
Identifiers: ClinVar variation 2228379 (VCV002228379.1), dbSNP rs201728833, ClinGen allele CA9472055.

ClinVar aggregate classification (germline): Uncertain significance (1 of 4 stars; one submission).

Conditions:
Inborn genetic diseases. Identifiers: MedGen C0950123, MeSH D030342.

Allele frequency attached by ClinVar (database versions not stated): ExAC 0.00001.
gnomAD v4.1: 34 of 1,613,988 alleles (0.0021%); highest among the groups gnomAD compares: Non-Finnish European, 0.0027%; no homozygotes.

Submission:

Ambry Genetics
Classification: Uncertain significance for Inborn genetic diseases. Last evaluated: 2022-09-19. Review status: criteria provided, single submitter. Criteria: Ambry General Variant Classification Scheme_2022. Collection method: clinical testing. Allele origin: germline. Observed: 1 variant allele.
Comment: The c.1607C>T (p.A536V) alteration is located in exon 10 (coding exon 10) of the CIC gene. This alteration results from a C to T substitution at nucleotide position 1607, causing the alanine (A) at amino acid position 536 to be replaced by a valine (V). Based on data from the Genome Aggregation Database (gnomAD) database, the CIC c.1607C>T alteration was observed in 0.0012% (3/251,446) of total alleles studied, with a frequency of 0.0026% (3/113,738) in the European (non-Finnish) subpopulation. The p.A536 amino acid is not conserved in available vertebrate species. The p.A536V alteration is predicted to be tolerated by in silico analysis. Based on insufficient or conflicting evidence, the clinical significance of this alteration remains unclear.